The following is an entry in ClinVar:

NM_152564.5(VPS13B):c.1303-4A>G

Gene: VPS13B (vacuolar protein sorting 13 homolog B; plus strand). Cytogenetic location: 8q22.2.
Variant type: single nucleotide variant.
Coding change: c.1303-4A>G on transcript NM_152564.5 (MANE Select); 4 bases into the intron before coding-DNA position 1303, A replaced by G.
Molecular consequence: intron variant.
Genome position (GRCh38, 1-based): chr8:99,135,011, A>G. VCF-style: chr8-99135011-A-G. GRCh37 (hg19) VCF-style: chr8-100147239-A-G.
Other names: c.1303-4A>G (NM_017890.3, NM_017890.5, NM_015243.3).
Identifiers: ClinVar variation 1166290 (VCV001166290.14), dbSNP rs772842729, ClinGen allele CA4822611.

ClinVar aggregate classification (germline): Conflicting classifications of pathogenicity. Review status: criteria provided, conflicting classifications (1 of 4 stars). 4 submissions from 4 submitters: Uncertain significance (1); Benign (1); Likely benign (1). 1 of the submissions does not count toward it. Last evaluated 2026-01-14.

Conditions:
Inborn genetic diseases. Identifiers: MedGen C0950123, MeSH D030342.
Cohen syndrome (COH1). Also called: Cutis verticis gyrata, retinitis pigmentosa, and sensorineural deafness; PEPPER SYNDROME. Identifiers: Orphanet 193, MedGen C0265223, MONDO:0008999, OMIM 216550.

Allele frequency attached by ClinVar (database versions not stated): TOPMed 0.00005; gnomAD 0.00007; ExAC 0.00012; gnomAD exomes 0.00012.
gnomAD v4.1: 52 of 1,613,358 alleles (0.0032%); highest among the groups gnomAD compares: Admixed American, 0.067%; 2 homozygotes.

Submissions (4):

Labcorp Genetics (formerly Invitae), Labcorp
Classification: Benign for Cohen syndrome. Last evaluated: 2026-01-14. Review status: criteria provided, single submitter. Criteria: Invitae Variant Classification Sherloc (09022015). Collection method: clinical testing. Allele origin: germline.

Blueprint Genetics
Classification: Likely benign. Last evaluated: 2022-09-02. Review status: criteria provided, single submitter. Criteria: ACMG Guidelines, 2015. Collection method: clinical testing. Allele origin: germline.

Ambry Genetics
Classification: Uncertain significance for Inborn genetic diseases. Last evaluated: 2021-07-22. Review status: criteria provided, single submitter. Criteria: Ambry Variant Classification Scheme 2023. Collection method: clinical testing. Allele origin: germline.
Comment: The c.1303-4A>G intronic alteration consists of a A to G substitution 4 nucleotides before coding exon 9 in the VPS13B gene. Based on insufficient or conflicting evidence, the clinical significance of this alteration remains unclear.

Natera, Inc.
Classification: Benign for Cohen syndrome. Last evaluated: 2020-05-26. Review status: no assertion criteria provided. Collection method: clinical testing. Allele origin: germline. Not counted in ClinVar's aggregate classification.